The following is an entry in ClinVar:

ClinVar aggregate classification (germline): Uncertain significance (1 of 4 stars; one submission).

Conditions:
Aniridia 1 (AN1). Identifiers: Orphanet 250923, MedGen C0344542, MONDO:0024507, OMIM 106210.
Irido-corneo-trabecular dysgenesis (ASGD5). Also called: ANTERIOR SEGMENT DYSGENESIS 5. Identifiers: Orphanet 708, MedGen C0344559, MONDO:0011414, OMIM 604229, HP:0000659.

Submission:

Labcorp Genetics (formerly Invitae), Labcorp
Classification: Uncertain significance for Aniridia 1; Irido-corneo-trabecular dysgenesis. Last evaluated: 2024-11-05. Review status: criteria provided, single submitter. Criteria: Invitae Variant Classification Sherloc (09022015). Collection method: clinical testing. Allele origin: germline.
Comment: This sequence change replaces isoleucine, which is neutral and non-polar, with arginine, which is basic and polar, at codon 254 of the PAX6 protein (p.Ile254Arg). This variant is not present in population databases (gnomAD no frequency). This variant has not been reported in the literature in individuals affected with PAX6-related conditions. ClinVar contains an entry for this variant (Variation ID: 1479181). Invitae Evidence Modeling of protein sequence and biophysical properties (such as structural, functional, and spatial information, amino acid conservation, physicochemical variation, residue mobility, and thermodynamic stability) indicates that this missense variant is expected to disrupt PAX6 protein function with a positive predictive value of 80%. In summary, the available evidence is currently insufficient to determine the role of this variant in disease. Therefore, it has been classified as a Variant of Uncertain Significance.

NM_001368894.2(PAX6):c.803T>G (p.Ile268Arg)

Gene: PAX6 (paired box 6; minus strand). Cytogenetic location: 11p13.
Variant type: single nucleotide variant.
Coding change: c.803T>G on transcript NM_001368894.2 (MANE Select); coding-DNA position 803, T replaced by G.
Protein change: p.Ile268Arg; replaces isoleucine 268 with arginine.
Molecular consequence: missense variant.
Genome position (GRCh38, 1-based): chr11:31,794,036, A>C on the plus strand (T>G on the coding strand, the complement: PAX6 is on the minus strand). VCF-style: chr11-31794036-A-C. GRCh37 (hg19) VCF-style: chr11-31815584-A-C.
Other names: c.761T>G, p.Ile254Arg (NM_000280.6, NM_001127612.3, NM_001258464.2 and 10 more transcripts); c.803T>G, p.Ile268Arg (NM_001258462.3, NM_001258463.2, NM_001310158.2 and 6 more transcripts); c.353T>G, p.Ile118Arg (NM_001310160.2, NM_001310161.3, NM_001368899.2 and 11 more transcripts); c.1004T>G, p.Ile335Arg (NM_001368910.2); c.806T>G, p.Ile269Arg (NM_001368911.2); c.878T>G, p.Ile293Arg (NM_001368918.2, NM_001368919.2); c.836T>G, p.Ile279Arg (NM_001368920.2); c.602T>G, p.Ile201Arg (NM_001368921.2, NM_001368922.2, NM_001368923.2 and 4 more transcripts); and 2 more; short protein forms I293R, I53R, I254R, I268R, I269R, I187R, I201R, I279R.
Identifiers: ClinVar variation 1479181 (VCV001479181.8), dbSNP rs2134610066, ClinGen allele CA379956608.